The following is an entry in ClinVar:

ClinVar aggregate classification (germline): Uncertain significance (1 of 4 stars; one submission).

Conditions:
Microphthalmia with brain and digit anomalies (MCOPS6). Also called: MICROPHTHALMIA AND PITUITARY ANOMALIES; Microphthalmia, syndromic 6. Identifiers: Orphanet 139471, MedGen C1864689, MONDO:0011936, OMIM 607932.
Orofacial cleft 11 (OFC11). Also called: Orofacial cleft 11; ofc11; CLEFT LIP WITH OR WITHOUT CLEFT PALATE, NONSYNDROMIC, 11. Identifiers: MedGen C2677434, MONDO:0010906, OMIM 600625.

Allele frequency attached by ClinVar (database versions not stated): gnomAD exomes 0.00001; TOPMed 0.00001.
gnomAD v4.1: 6 of 1,606,434 alleles (0.00037%); highest among the groups gnomAD compares: Non-Finnish European, 0.00051%; no homozygotes.

Submission:

Labcorp Genetics (formerly Invitae), Labcorp
Classification: Uncertain significance for Microphthalmia with brain and digit anomalies; Orofacial cleft 11. Last evaluated: 2023-10-05. Review status: criteria provided, single submitter. Criteria: Invitae Variant Classification Sherloc (09022015). Collection method: clinical testing. Allele origin: germline.
Comment: This sequence change replaces glutamine, which is neutral and polar, with arginine, which is basic and polar, at codon 98 of the BMP4 protein (p.Gln98Arg). This variant is present in population databases (no rsID available, gnomAD 0.0009%). This variant has not been reported in the literature in individuals affected with BMP4-related conditions. An algorithm developed to predict the effect of missense changes on protein structure and function (PolyPhen-2) suggests that this variant is likely to be tolerated. In summary, the available evidence is currently insufficient to determine the role of this variant in disease. Therefore, it has been classified as a Variant of Uncertain Significance.

NM_001202.6(BMP4):c.293A>G (p.Gln98Arg)

Gene: BMP4 (bone morphogenetic protein 4; minus strand). Cytogenetic location: 14q22.2.
Variant type: single nucleotide variant.
Coding change: c.293A>G on transcript NM_001202.6 (MANE Select); coding-DNA position 293, A replaced by G.
Protein change: p.Gln98Arg; replaces glutamine 98 with arginine.
Molecular consequence: missense variant.
Genome position (GRCh38, 1-based): chr14:53,951,930, T>C on the plus strand (A>G on the coding strand, the complement: BMP4 is on the minus strand). VCF-style: chr14-53951930-T-C. GRCh37 (hg19) VCF-style: chr14-54418648-T-C.
Other names: c.434A>G, p.Gln145Arg (NM_001347912.1); c.104A>G, p.Gln35Arg (NM_001347913.2, NM_001347915.2, NM_001347917.1); c.293A>G, p.Gln98Arg (NM_001347914.2, NM_001347916.1, NM_130850.5 and 1 more transcripts); short protein forms Q145R, Q98R, Q35R.
Identifiers: ClinVar variation 2946480 (VCV002946480.3), dbSNP rs1376487986, ClinGen allele CA389785161.